The following is an entry in ClinVar:

NM_002473.6(MYH9):c.4641G>T (p.Glu1547Asp)

Gene: MYH9 (myosin heavy chain 9; minus strand). Cytogenetic location: 22q12.3.
Variant type: single nucleotide variant.
Coding change: c.4641G>T on transcript NM_002473.6 (MANE Select); coding-DNA position 4641, G replaced by T.
Protein change: p.Glu1547Asp; replaces glutamic acid 1547 with aspartic acid.
Molecular consequence: missense variant.
Genome position (GRCh38, 1-based): chr22:36,288,856, C>A on the plus strand (G>T on the coding strand, the complement: MYH9 is on the minus strand). VCF-style: chr22-36288856-C-A. GRCh37 (hg19) VCF-style: chr22-36684902-C-A.
Other names: c.4641G>T (NM_002473.4); short protein forms E1547D.
Identifiers: ClinVar variation 3715311 (VCV003715311.4).

ClinVar aggregate classification (germline): Conflicting classifications of pathogenicity. Review status: criteria provided, conflicting classifications (1 of 4 stars). 3 submissions from 3 submitters: Uncertain significance (2); Likely benign (1). Last evaluated 2025-02-04.

gnomAD v4.1: 4 of 1,614,072 alleles (0.00025%); highest among the groups gnomAD compares: Middle Eastern, 0.049%; no homozygotes.

Submissions (3):

GeneDx
Classification: Uncertain significance. Last evaluated: 2025-02-04. Review status: criteria provided, single submitter. Criteria: GeneDx Variant Classification Process June 2021. Collection method: clinical testing. Allele origin: germline. Affected: yes.
Comment: Identified in a patient with isolated thrombocytopenia in published literature (PMID: 35295078); In silico analysis indicates that this missense variant does not alter protein structure/function; This variant is associated with the following publications: (PMID: 35295078)

Labcorp Genetics (formerly Invitae), Labcorp
Classification: Likely benign. Last evaluated: 2024-12-16. Review status: criteria provided, single submitter. Criteria: Invitae Variant Classification Sherloc (09022015). Collection method: clinical testing. Allele origin: germline.

Blueprint Genetics
Classification: Uncertain significance. Last evaluated: 2021-02-09. Review status: criteria provided, single submitter. Criteria: ACMG Guidelines, 2015. Collection method: clinical testing. Allele origin: germline.